The following is an entry in ClinVar:

NM_033056.4(PCDH15):c.5850T>A (p.Ser1950Arg)

Gene: PCDH15 (protocadherin related 15; minus strand). Cytogenetic location: 10q21.1.
Variant type: single nucleotide variant.
Coding change: c.5850T>A on transcript NM_033056.4 (MANE Plus Clinical); coding-DNA position 5850, T replaced by A.
Protein change: p.Ser1950Arg; replaces serine 1950 with arginine.
Molecular consequence: missense variant. On other transcripts: intron variant (8).
Genome position (GRCh38, 1-based): chr10:53,821,876, A>T on the plus strand (T>A on the coding strand, the complement: PCDH15 is on the minus strand). VCF-style: chr10-53821876-A-T. GRCh37 (hg19) VCF-style: chr10-55581636-A-T.
Other names: c.5871T>A, p.Ser1957Arg (NM_001142763.2); c.5856T>A, p.Ser1952Arg (NM_001142764.2); c.5643T>A, p.Ser1881Arg (NM_001142765.2); c.5841T>A, p.Ser1947Arg (NM_001142766.2); c.5730T>A, p.Ser1910Arg (NM_001142767.2); c.5790T>A, p.Ser1930Arg (NM_001142768.2); c.5781T>A, p.Ser1927Arg (NM_001142773.2); c.5784T>A, p.Ser1928Arg (NM_001354404.2); and 7 more; short protein forms S1881R, S1910R, S1927R, S1928R, S1930R, S1947R, S1950R, S1952R.
Identifiers: ClinVar variation 2414326 (VCV002414326.3), dbSNP rs1185902920, ClinGen allele CA376524073.
Genomic context (GRCh38, chr10:53,821,876, plus strand): 5'-GATCAACAAGAGGTTTGCCCGACTAAAATAAGAAAAGCAACATTACAGTGAAGTAGATTG[A>T]CTGTGAGATTGTTTTTCAGTTCCCTCGACAATATTGTTCAAACTCCCCTTGTTTTGTTCA-3'
Protein context (NP_149045.3, residues 1940-1955): IVEGTEKQSH[Ser1950Arg]QSTSL

ClinVar aggregate classification (germline): Uncertain significance (1 of 4 stars; one submission).

Allele frequency attached by ClinVar (database versions not stated): gnomAD exomes below 0.00001; TOPMed below 0.00001; gnomAD 0.00001.
gnomAD v4.1: 4 of 1,613,238 alleles (0.00025%); highest among the groups gnomAD compares: Non-Finnish European, 0.00034%; no homozygotes.

Submission:

Labcorp Genetics (formerly Invitae), Labcorp
Classification: Uncertain significance. Last evaluated: 2022-03-03. Review status: criteria provided, single submitter. Criteria: Invitae Variant Classification Sherloc (09022015). Collection method: clinical testing. Allele origin: germline.
Comment: This sequence change replaces serine, which is neutral and polar, with arginine, which is basic and polar, at codon 1950 of the PCDH15 protein (p.Ser1950Arg). This variant is present in population databases (no rsID available, gnomAD 0.007%). This variant has not been reported in the literature in individuals affected with PCDH15-related conditions. Algorithms developed to predict the effect of missense changes on protein structure and function output the following: SIFT: "Tolerated"; PolyPhen-2: "Not Available"; Align-GVGD: "Class C0". The arginine amino acid residue is found in multiple mammalian species, which suggests that this missense change does not adversely affect protein function. In summary, the available evidence is currently insufficient to determine the role of this variant in disease. Therefore, it has been classified as a Variant of Uncertain Significance.